The following is an entry in ClinVar:

NM_000078.3(CETP):c.598-1G>C

Genes: CETP (cholesteryl ester transfer protein; plus strand), LOC130059064 (ATAC-STARR-seq lymphoblastoid active region 10867; plus strand). Cytogenetic location: 16q13.
Variant type: single nucleotide variant.
Coding change: c.598-1G>C on transcript NM_000078.3 (MANE Select); the canonical splice acceptor site of the intron before coding-DNA position 598, G replaced by C.
Molecular consequence: splice acceptor variant.
Genome position (GRCh38, 1-based): chr16:56,971,320, G>C. VCF-style: chr16-56971320-G-C. GRCh37 (hg19) VCF-style: chr16-57005232-G-C.
Other names: c.598-1G>C (NM_001286085.2).
Identifiers: ClinVar variation 3349566 (VCV003349566.1).

ClinVar aggregate classification (germline): Likely pathogenic (0 of 4 stars; one submission).

Conditions:
CETP-related disorder. Also called: CETP-related condition.

gnomAD v4.1: 6 of 1,613,848 alleles (0.00037%); highest among the groups gnomAD compares: Non-Finnish European, 0.00051%; no homozygotes.

Submission:

PreventionGenetics, part of Exact Sciences
Classification: Likely pathogenic for CETP-related condition. Last evaluated: 2024-04-26. Review status: no assertion criteria provided. Collection method: clinical testing. Allele origin: germline.
Comment: The CETP c.598-1G>C variant is predicted to disrupt the AG splice acceptor site and interfere with normal splicing. To our knowledge, this variant has not been reported in the literature or in a large population database, indicating this variant is rare. Variants that disrupt the consensus splice acceptor site in CETP are expected to be pathogenic. This variant is interpreted as likely pathogenic.